The following is an entry in ClinVar:

ClinVar aggregate classification (germline): Uncertain significance. Review status: criteria provided, single submitter (1 of 4 stars). 2 submissions from 2 submitters: Uncertain significance (1). 1 of the submissions does not count toward it. Last evaluated 2020-06-09.

Conditions:
ALMS1-related disorder. Also called: ALMS1-related condition.
Cardiovascular phenotype. Identifiers: MedGen CN230736.

Allele frequency attached by ClinVar (database versions not stated): gnomAD exomes below 0.00001.
gnomAD v4.1: 1 of 1,613,996 alleles (0.000062%); highest among the groups gnomAD compares: Admixed American, 0.0017%; no homozygotes.

Submissions (2):

Ambry Genetics
Classification: Uncertain significance for Cardiovascular phenotype. Last evaluated: 2020-06-09. Review status: criteria provided, single submitter. Criteria: Ambry Variant Classification Scheme 2023. Collection method: clinical testing. Allele origin: germline.
Comment: The p.A3192V variant (also known as c.9575C>T), located in coding exon 11 of the ALMS1 gene, results from a C to T substitution at nucleotide position 9575. The alanine at codon 3192 is replaced by valine, an amino acid with similar properties. This amino acid position is not well conserved in available vertebrate species, and valine is the reference amino acid in other vertebrate species. In addition, this alteration is predicted to be tolerated by in silico analysis. Since supporting evidence is limited at this time, the clinical significance of this alteration remains unclear.

PreventionGenetics, part of Exact Sciences
Classification: Uncertain significance for ALMS1-related condition. Last evaluated: 2024-09-15. Review status: no assertion criteria provided. Collection method: clinical testing. Allele origin: germline. Not counted in ClinVar's aggregate classification.
Comment: The ALMS1 c.9575C>T variant is predicted to result in the amino acid substitution p.Ser3192Phe. To our knowledge, this variant has not been reported in the literature or in a large population database, indicating this variant is rare. At this time, the clinical significance of this variant is uncertain due to the absence of conclusive functional and genetic evidence.

NM_001378454.1(ALMS1):c.9572C>T (p.Ala3191Val)

Gene: ALMS1 (ALMS1 centrosome and basal body associated protein; plus strand). Cytogenetic location: 2p13.1.
Variant type: single nucleotide variant.
Coding change: c.9572C>T on transcript NM_001378454.1 (MANE Select); coding-DNA position 9572, C replaced by T.
Protein change: p.Ala3191Val; replaces alanine 3191 with valine.
Molecular consequence: missense variant.
Genome position (GRCh38, 1-based): chr2:73,519,807, C>T. VCF-style: chr2-73519807-C-T. GRCh37 (hg19) VCF-style: chr2-73746934-C-T.
Other names: c.9575C>T, p.Ala3192Val (NM_015120.4); short protein forms A3191V, A3192V.
Identifiers: ClinVar variation 1767422 (VCV001767422.3), dbSNP rs1233673712, ClinGen allele CA347280830.
Genomic context (GRCh38, chr2:73,519,807, plus strand): 5'-TGCTGTATTCTTTCTCTTTTTTGGTCAGATTACCAGAGAAGATGAAGACCCCACTTTCTG[C>T]TTTCTCTGAAAAATTGTCATCTGATGCAGTCACTCAGATAACAACAGAAAGTCCAGAAAA-3'
Protein context (NP_001365383.1, residues 3181-3201): LPEKMKTPLS[Ala3191Val]FSEKLSSDAV